The following is an entry in ClinVar:

NM_003816.3(ADAM9):c.1181C>T (p.Thr394Ile)

Gene: ADAM9 (ADAM metallopeptidase domain 9; plus strand). Cytogenetic location: 8p11.22.
Variant type: single nucleotide variant.
Coding change: c.1181C>T on transcript NM_003816.3 (MANE Select); coding-DNA position 1181, C replaced by T.
Protein change: p.Thr394Ile; replaces threonine 394 with isoleucine.
Molecular consequence: missense variant. On other transcripts: non-coding transcript variant (3).
Genome position (GRCh38, 1-based): chr8:39,041,996, C>T. VCF-style: chr8-39041996-C-T. GRCh37 (hg19) VCF-style: chr8-38899515-C-T.
Other names: short protein forms T394I.
Identifiers: ClinVar variation 1345057 (VCV001345057.6), dbSNP rs1021775417, ClinGen allele CA175174138.

ClinVar aggregate classification (germline): Uncertain significance (1 of 4 stars; one submission).

Allele frequency attached by ClinVar (database versions not stated): TOPMed below 0.00001; gnomAD exomes 0.00001.
gnomAD v4.1: 9 of 1,614,068 alleles (0.00056%); highest among the groups gnomAD compares: African/African-American, 0.012%; no homozygotes.

Submission:

Labcorp Genetics (formerly Invitae), Labcorp
Classification: Uncertain significance. Last evaluated: 2023-08-04. Review status: criteria provided, single submitter. Criteria: Invitae Variant Classification Sherloc (09022015). Collection method: clinical testing. Allele origin: germline.
Comment: In summary, the available evidence is currently insufficient to determine the role of this variant in disease. Therefore, it has been classified as a Variant of Uncertain Significance. This sequence change replaces threonine, which is neutral and polar, with isoleucine, which is neutral and non-polar, at codon 394 of the ADAM9 protein (p.Thr394Ile). Advanced modeling of protein sequence and biophysical properties (such as structural, functional, and spatial information, amino acid conservation, physicochemical variation, residue mobility, and thermodynamic stability) performed at Invitae indicates that this missense variant is not expected to disrupt ADAM9 protein function. ClinVar contains an entry for this variant (Variation ID: 1345057). This variant has not been reported in the literature in individuals affected with ADAM9-related conditions. This variant is not present in population databases (gnomAD no frequency).